The following is an entry in ClinVar:

NM_004522.3(KIF5C):c.69C>G (p.Ile23Met)

Gene: KIF5C (kinesin family member 5C; plus strand). Cytogenetic location: 2q23.1.
Variant type: single nucleotide variant.
Coding change: c.69C>G on transcript NM_004522.3 (MANE Select); coding-DNA position 69, C replaced by G.
Protein change: p.Ile23Met; replaces isoleucine 23 with methionine.
Molecular consequence: missense variant.
Genome position (GRCh38, 1-based): chr2:148,875,686, C>G. VCF-style: chr2-148875686-C-G. GRCh37 (hg19) VCF-style: chr2-149633255-C-G.
Other names: short protein forms I23M.
Identifiers: ClinVar variation 4795293 (VCV004795293.1).

ClinVar aggregate classification (germline): Uncertain significance (1 of 4 stars; one submission).

Submission:

GeneDx
Classification: Uncertain significance. Last evaluated: 2025-08-13. Review status: criteria provided, single submitter. Criteria: GeneDx Variant Classification Process June 2021. Collection method: clinical testing. Allele origin: germline. Affected: yes.
Comment: Not observed at significant frequency in large population cohorts (gnomAD); In silico analysis suggests that this missense variant does not alter protein structure/function; Has not been previously published as pathogenic or benign to our knowledge